The following is an entry in ClinVar:

ClinVar aggregate classification (germline): Uncertain significance. Review status: criteria provided, multiple submitters, no conflicts (2 of 4 stars). 2 submissions from 2 submitters: Uncertain significance (2). Last evaluated 2025-11-26.

Conditions:
Arrhythmogenic right ventricular dysplasia 13. Also called: ARRHYTHMOGENIC RIGHT VENTRICULAR CARDIOMYOPATHY 13; Arrhythmogenic right ventricular dysplasia, familial, 13. Identifiers: MedGen C3810138, MONDO:0000908, OMIM 615616.

Allele frequency attached by ClinVar (database versions not stated): gnomAD exomes 0.00001 and 0.00003; ExAC 0.00006; gnomAD 0.00009 and 0.00010; TOPMed 0.00009; ESP Exome Variant Server 0.00015; 1000 Genomes Project 30x 0.00016; 1000 Genomes Project 0.00020.

Submissions (2):

Labcorp Genetics (formerly Invitae), Labcorp
Classification: Uncertain significance for Arrhythmogenic right ventricular dysplasia 13. Last evaluated: 2025-11-26. Review status: criteria provided, single submitter. Criteria: Invitae Variant Classification Sherloc (09022015). Collection method: clinical testing. Allele origin: germline.
Comment: This sequence change replaces arginine, which is basic and polar, with tryptophan, which is neutral and slightly polar, at codon 407 of the CTNNA3 protein (p.Arg407Trp). This variant is present in population databases (rs138643733, gnomAD 0.04%), and has an allele count higher than expected for a pathogenic variant. This variant has not been reported in the literature in individuals affected with CTNNA3-related conditions. ClinVar contains an entry for this variant (Variation ID: 651726). Invitae Evidence Modeling of protein sequence and biophysical properties (such as structural, functional, and spatial information, amino acid conservation, physicochemical variation, residue mobility, and thermodynamic stability) indicates that this missense variant is not expected to disrupt CTNNA3 protein function with a negative predictive value of 80%. In summary, the available evidence is currently insufficient to determine the role of this variant in disease. Therefore, it has been classified as a Variant of Uncertain Significance.

Ambry Genetics
Classification: Uncertain significance. Last evaluated: 2025-09-05. Review status: criteria provided, single submitter. Criteria: Ambry Variant Classification Scheme 2023. Collection method: clinical testing. Allele origin: germline.

NM_013266.4(CTNNA3):c.1219C>T (p.Arg407Trp)

Gene: CTNNA3 (catenin alpha 3; minus strand). Cytogenetic location: 10q21.3.
Variant type: single nucleotide variant.
Coding change: c.1219C>T on transcript NM_013266.4 (MANE Select); coding-DNA position 1219, C replaced by T.
Protein change: p.Arg407Trp; replaces arginine 407 with tryptophan.
Molecular consequence: missense variant.
Genome position (GRCh38, 1-based): chr10:66,766,326, G>A on the plus strand (C>T on the coding strand, the complement: CTNNA3 is on the minus strand). VCF-style: chr10-66766326-G-A. GRCh37 (hg19) VCF-style: chr10-68526084-G-A.
Other names: c.1219C>T, p.Arg407Trp (NM_001127384.3); c.1219C>T (NM_013266.2); short protein forms R407W.
Identifiers: ClinVar variation 651726 (VCV000651726.8), dbSNP rs138643733, ClinGen allele CA5520021.
Genomic context (GRCh38, chr10:66,766,326, plus strand): 5'-CTACAAGCCTGCTGGTGTGTTCATGAAATATCGCAGCATATTCTTTTATTTCCTTTTCCC[G>A]GCCATTCTTAGCAGCTTCAATGAGAACCAAAAGAGGGACTGTCGTATCCAGGAAAGAGTC-3'
Protein context (NP_037398.2, residues 397-417): LVLIEAAKNG[Arg407Trp]EKEIKEYAAI